The following is an entry in ClinVar:

ClinVar aggregate classification (germline): Uncertain significance. Review status: criteria provided, multiple submitters, no conflicts (2 of 4 stars). 2 submissions from 2 submitters: Uncertain significance (2). Last evaluated 2025-08-20.

Conditions:
Primary ciliary dyskinesia. Also called: Ciliary dyskinesia. Identifiers: Orphanet 244, MedGen C0008780, MONDO:0016575, HP:0012265.

Allele frequency attached by ClinVar (database versions not stated): gnomAD 0.00001; TOPMed 0.00001.
gnomAD v4.1: 7 of 1,613,982 alleles (0.00043%); highest among the groups gnomAD compares: African/African-American, 0.0027%; no homozygotes.

Submissions (2):

Labcorp Genetics (formerly Invitae), Labcorp
Classification: Uncertain significance for Primary ciliary dyskinesia. Last evaluated: 2025-08-20. Review status: criteria provided, single submitter. Criteria: Invitae Variant Classification Sherloc (09022015). Collection method: clinical testing. Allele origin: germline.
Comment: This sequence change replaces valine, which is neutral and non-polar, with methionine, which is neutral and non-polar, at codon 51 of the DNAAF1 protein (p.Val51Met). This variant is present in population databases (rs201910542, gnomAD 0.0009%). This variant has not been reported in the literature in individuals affected with DNAAF1-related conditions. ClinVar contains an entry for this variant (Variation ID: 3083298). An algorithm developed to predict the effect of missense changes on protein structure and function outputs the following: PolyPhen-2: "Benign". The methionine amino acid residue is found in multiple mammalian species, which suggests that this missense change does not adversely affect protein function. In summary, the available evidence is currently insufficient to determine the role of this variant in disease. Therefore, it has been classified as a Variant of Uncertain Significance.

Ambry Genetics
Classification: Uncertain significance for Primary ciliary dyskinesia. Last evaluated: 2023-09-20. Review status: criteria provided, single submitter. Criteria: Ambry Variant Classification Scheme 2023. Collection method: clinical testing. Allele origin: germline.

NM_178452.6(DNAAF1):c.151G>A (p.Val51Met)

Gene: DNAAF1 (dynein axonemal assembly factor 1; plus strand). Cytogenetic location: 16q24.1.
Variant type: single nucleotide variant.
Coding change: c.151G>A on transcript NM_178452.6 (MANE Select); coding-DNA position 151, G replaced by A.
Protein change: p.Val51Met; replaces valine 51 with methionine.
Molecular consequence: missense variant.
Genome position (GRCh38, 1-based): chr16:84,149,033, G>A. VCF-style: chr16-84149033-G-A. GRCh37 (hg19) VCF-style: chr16-84182638-G-A.
Other names: short protein forms V51M.
Identifiers: ClinVar variation 3083298 (VCV003083298.2), dbSNP rs201910542, ClinGen allele CA285497140.
Genomic context (GRCh38, chr16:84,149,033, plus strand): 5'-GATCTCTACAGACCTGATCTCTTTTATTTTACAGAAATTAATGATCCTAAGGAAATATGT[G>A]TGGGTTCTTCTGACACATCCTACCACAGCCAGCAGAAACAGAGTGGTGATAATGGGTCAG-3'
Protein context (NP_848547.4, residues 41-61): EEINDPKEIC[Val51Met]GSSDTSYHSQ